The following is an entry in ClinVar:

NM_002439.5(MSH3):c.3367A>G (p.Thr1123Ala)

Gene: MSH3 (mutS homolog 3; plus strand). Cytogenetic location: 5q14.1.
Variant type: single nucleotide variant.
Coding change: c.3367A>G on transcript NM_002439.5 (MANE Select); coding-DNA position 3367, A replaced by G.
Protein change: p.Thr1123Ala; replaces threonine 1123 with alanine.
Molecular consequence: missense variant.
Genome position (GRCh38, 1-based): chr5:80,875,815, A>G. VCF-style: chr5-80875815-A-G. GRCh37 (hg19) VCF-style: chr5-80171634-A-G.
Other names: short protein forms T1123A.
Identifiers: ClinVar variation 4111115 (VCV004111115.1).

ClinVar aggregate classification (germline): Uncertain significance (1 of 4 stars; one submission).

Conditions:
Hereditary cancer-predisposing syndrome. Also called: Tumor predisposition; Neoplastic Syndromes, Hereditary; Hereditary neoplastic syndrome; Hereditary Cancer Syndrome. Identifiers: Orphanet 140162, MedGen C0027672, MeSH D009386, MONDO:0015356.

gnomAD v4.1: 1 of 1,613,914 alleles (0.000062%); highest among the groups gnomAD compares: South Asian, 0.0011%; no homozygotes.

Submission:

Ambry Genetics
Classification: Uncertain significance for Hereditary cancer-predisposing syndrome. Last evaluated: 2025-08-22. Review status: criteria provided, single submitter. Criteria: Ambry Variant Classification Scheme 2023. Collection method: clinical testing. Allele origin: germline.
Comment: The p.T1123A variant (also known as c.3367A>G), located in coding exon 24 of the MSH3 gene, results from an A to G substitution at nucleotide position 3367. The threonine at codon 1123 is replaced by alanine, an amino acid with similar properties. This amino acid position is conserved. In addition, this alteration is predicted to be tolerated by in silico analysis. Based on the available evidence, the clinical significance of this variant remains unclear.